The following is an entry in ClinVar:

NM_004370.6(COL12A1):c.1258G>C (p.Glu420Gln)

Gene: COL12A1 (collagen type XII alpha 1 chain; minus strand). Cytogenetic location: 6q13.
Variant type: single nucleotide variant.
Coding change: c.1258G>C on transcript NM_004370.6 (MANE Select); coding-DNA position 1258, G replaced by C.
Protein change: p.Glu420Gln; replaces glutamic acid 420 with glutamine.
Molecular consequence: missense variant. On other transcripts: intron variant (1).
Genome position (GRCh38, 1-based): chr6:75,183,884, C>G on the plus strand (G>C on the coding strand, the complement: COL12A1 is on the minus strand). VCF-style: chr6-75183884-C-G. GRCh37 (hg19) VCF-style: chr6-75893600-C-G.
Other names: p.Glu420Gln; c.73+18836G>C (NM_080645.3); short protein forms E420Q.
Identifiers: ClinVar variation 840011 (VCV000840011.11), dbSNP rs757252832, ClinGen allele CA3894237.

ClinVar aggregate classification (germline): Conflicting classifications of pathogenicity. Review status: criteria provided, conflicting classifications (1 of 4 stars). 3 submissions from 3 submitters: Uncertain significance (1); Likely benign (2). Last evaluated 2026-01-21.

Conditions:
Ullrich congenital muscular dystrophy 2 (UCMD2). Identifiers: Orphanet 75840, MedGen C4225314, MONDO:0014654, OMIM 616470.
Bethlem myopathy 2 (BTHLM2). Identifiers: Orphanet 536516, Orphanet 610, MedGen C4225313, MONDO:0034022, OMIM 616471.

Allele frequency attached by ClinVar (database versions not stated): TOPMed 0.00003; gnomAD 0.00004 and 0.00003; gnomAD exomes 0.00004 and 0.00006; ExAC 0.00005.
gnomAD v4.1: 92 of 1,614,066 alleles (0.0057%); highest among the groups gnomAD compares: Admixed American, 0.022%; no homozygotes.

Submissions (3):

Labcorp Genetics (formerly Invitae), Labcorp
Classification: Likely benign for Bethlem myopathy 2; Ullrich congenital muscular dystrophy 2. Last evaluated: 2026-01-21. Review status: criteria provided, single submitter. Criteria: Invitae Variant Classification Sherloc (09022015). Collection method: clinical testing. Allele origin: germline.

Revvity Omics, Revvity
Classification: Likely benign. Last evaluated: 2024-03-04. Review status: criteria provided, single submitter. Criteria: ACMG Guidelines, 2015. Collection method: clinical testing. Allele origin: germline.

Mayo Clinic Laboratories, Mayo Clinic
Classification: Uncertain significance. Last evaluated: 2023-11-14. Review status: criteria provided, single submitter. Criteria: ACMG Guidelines, 2015. Collection method: clinical testing. Allele origin: germline. Observed: 1 variant allele.
Comment: BP4